The following is an entry in ClinVar:

NM_001271.4(CHD2):c.5272C>T (p.Pro1758Ser)

Gene: CHD2 (chromodomain helicase DNA binding protein 2; plus strand). Cytogenetic location: 15q26.1.
Variant type: single nucleotide variant.
Coding change: c.5272C>T on transcript NM_001271.4 (MANE Select); coding-DNA position 5272, C replaced by T.
Protein change: p.Pro1758Ser; replaces proline 1758 with serine.
Molecular consequence: missense variant.
Genome position (GRCh38, 1-based): chr15:93,024,490, C>T. VCF-style: chr15-93024490-C-T. GRCh37 (hg19) VCF-style: chr15-93567720-C-T.
Other names: short protein forms P1758S.
Identifiers: ClinVar variation 3636702 (VCV003636702.2).

ClinVar aggregate classification (germline): Uncertain significance (1 of 4 stars; one submission).

Conditions:
Developmental and epileptic encephalopathy 94 (DEE94). Also called: Epileptic encephalopathy, childhood-onset; CHD2-Related Neurodevelopmental Disorders. Identifiers: Orphanet 1942, Orphanet 2382, MedGen C3809278, MONDO:0014150, OMIM 615369.

gnomAD v4.1: 1 of 1,614,172 alleles (0.000062%); highest among the groups gnomAD compares: Non-Finnish European, 0.000085%; no homozygotes.

Submission:

Labcorp Genetics (formerly Invitae), Labcorp
Classification: Uncertain significance for Developmental and epileptic encephalopathy 94. Last evaluated: 2024-02-13. Review status: criteria provided, single submitter. Criteria: Invitae Variant Classification Sherloc (09022015). Collection method: clinical testing. Allele origin: germline.
Comment: This sequence change replaces proline, which is neutral and non-polar, with serine, which is neutral and polar, at codon 1758 of the CHD2 protein (p.Pro1758Ser). This variant is not present in population databases (gnomAD no frequency). This variant has not been reported in the literature in individuals affected with CHD2-related conditions. Advanced modeling of protein sequence and biophysical properties (such as structural, functional, and spatial information, amino acid conservation, physicochemical variation, residue mobility, and thermodynamic stability) performed at Invitae indicates that this missense variant is not expected to disrupt CHD2 protein function with a negative predictive value of 95%. In summary, the available evidence is currently insufficient to determine the role of this variant in disease. Therefore, it has been classified as a Variant of Uncertain Significance.